The following is an entry in ClinVar:

NM_033380.3(COL4A5):c.891+1G>T

Gene: COL4A5 (collagen type IV alpha 5 chain; plus strand). Cytogenetic location: Xq22.3.
Variant type: single nucleotide variant.
Coding change: c.891+1G>T on transcript NM_033380.3 (MANE Select); the canonical splice donor site of the intron after coding-DNA position 891, G replaced by T.
Molecular consequence: splice donor variant.
Genome position (GRCh38, 1-based): chrX:108,580,739, G>T. VCF-style: chrX-108580739-G-T. GRCh37 (hg19) VCF-style: chrX-107823969-G-T.
Other names: c.891+1G>T (NM_000495.5).
Identifiers: ClinVar variation 1448875 (VCV001448875.9), dbSNP rs104886451, ClinGen allele CA413926601.

ClinVar aggregate classification (germline): Pathogenic/Likely pathogenic. Review status: criteria provided, multiple submitters, no conflicts (2 of 4 stars). 2 submissions from 2 submitters: Pathogenic (1); Likely pathogenic (1). Last evaluated 2022-03-30.

Conditions:
X-linked Alport syndrome (ATS1). Also called: NEPHROPATHY AND DEAFNESS, X-LINKED; COL4A5-Related Nephropathy. Identifiers: Orphanet 63, Orphanet 88917, MedGen C4746986, MONDO:0010520, OMIM 301050.

Submissions (2):

Fulgent Genetics
Classification: Likely pathogenic for X-linked Alport syndrome. Last evaluated: 2022-03-30. Review status: criteria provided, single submitter. Criteria: ACMG Guidelines, 2015. Collection method: clinical testing. Allele origin: unknown.

Labcorp Genetics (formerly Invitae), Labcorp
Classification: Pathogenic. Last evaluated: 2021-08-04. Review status: criteria provided, single submitter. Criteria: Invitae Variant Classification Sherloc (09022015). Collection method: clinical testing. Allele origin: germline.
Comment: This sequence change affects a donor splice site in intron 15 of the COL4A5 gene. It is expected to disrupt RNA splicing. Variants that disrupt the donor or acceptor splice site typically lead to a loss of protein function (PMID: 16199547), and loss-of-function variants in COL4A5 are known to be pathogenic (PMID: 9195222, 10752524, 14514738, 24854265, 26809805). This variant is not present in population databases (ExAC no frequency). Disruption of this splice site has been observed in individual(s) with clinical features of Alport syndrome (PMID: 8940267, Invitae). A variant at this splice site is also known as c.1093+1G>A. Algorithms developed to predict the effect of sequence changes on RNA splicing suggest that this variant may disrupt the consensus splice site, but this prediction has not been confirmed by published transcriptional studies. For these reasons, this variant has been classified as Pathogenic.

Literature cited by the submitters: PubMed 16199547 (cited by Labcorp Genetics (formerly Invitae), Labcorp); PubMed 9195222 (cited by Labcorp Genetics (formerly Invitae), Labcorp); PubMed 10752524 (cited by Labcorp Genetics (formerly Invitae), Labcorp); PubMed 14514738 (cited by Labcorp Genetics (formerly Invitae), Labcorp); PubMed 24854265 (cited by Labcorp Genetics (formerly Invitae), Labcorp); PubMed 26809805 (cited by Labcorp Genetics (formerly Invitae), Labcorp); PubMed 8940267 (cited by Labcorp Genetics (formerly Invitae), Labcorp).